The following is an entry in ClinVar:

NM_170707.4(LMNA):c.1161_1178dup (p.Arg388_Pro393dup)

Gene: LMNA (lamin A/C; plus strand). Cytogenetic location: 1q22.
Variant type: Duplication.
Coding change: c.1161_1178dup on transcript NM_170707.4 (MANE Select); coding-DNA positions 1161 to 1178, 18 bases duplicated (ACGCCTGTCCCCCAGCCC).
Protein change: p.Arg388_Pro393dup.
Molecular consequence: inframe insertion.
Genome position (GRCh38, 1-based): chr1:156,136,217-156,136,234, ACGCCTGTCCCCCAGCCC duplicated. VCF-style (leftmost placement, unchanged base first): chr1-156136216-T-TACGCCTGTCCCCCAGCCC. GRCh37 (hg19) VCF-style: chr1-156106007-T-TACGCCTGTCCCCCAGCCC.
Other names: c.1161_1178dupACGCCTGTCCCCCAGCCC (NM_170707.3); c.825_842dup, p.Arg276_Pro281dup (NM_001257374.3); c.918_935dup, p.Arg307_Pro312dup (NM_001282624.2); c.1161_1178dup, p.Arg388_Pro393dup (NM_001282625.2, NM_001282626.2, NM_005572.4 and 1 more transcripts).
Identifiers: ClinVar variation 408997 (VCV000408997.11), dbSNP rs1553265793, ClinGen allele CA16609880.

ClinVar aggregate classification (germline): Uncertain significance. Review status: criteria provided, multiple submitters, no conflicts (2 of 4 stars). 4 submissions from 4 submitters: Uncertain significance (4). Last evaluated 2025-10-17.

Conditions:
Cardiomyopathy (CMYO). Also called: Cardiomyopathies. Identifiers: Orphanet 167848, MedGen C0878544, MONDO:0004994, HP:0001638. Inheritance: Various modes of inheritance.
Primary dilated cardiomyopathy (DCM). Also called: Dilated Cardiomyopathy. Identifiers: Orphanet 217604, MedGen C0007193, MeSH D002311, MONDO:0005021, HP:0001644. Inheritance: Various modes of inheritance.
Charcot-Marie-Tooth disease type 2. Also called: Charcot-Marie-Tooth type 2. Identifiers: Orphanet 64746, MedGen C0270914, MONDO:0018993.

Allele frequency attached by ClinVar (database versions not stated): gnomAD exomes 0.00001.

Submissions (4):

Labcorp Genetics (formerly Invitae), Labcorp
Classification: Uncertain significance for Charcot-Marie-Tooth disease type 2. Last evaluated: 2025-10-17. Review status: criteria provided, single submitter. Criteria: Invitae Variant Classification Sherloc (09022015). Collection method: clinical testing. Allele origin: germline.
Comment: This variant, c.1161_1178dup, results in the insertion of 6 amino acid(s) of the LMNA protein (p.Arg388_Pro393dup), but otherwise preserves the integrity of the reading frame. This variant is not present in population databases (gnomAD no frequency). This variant has not been reported in the literature in individuals affected with LMNA-related conditions. ClinVar contains an entry for this variant (Variation ID: 408997). In summary, the available evidence is currently insufficient to determine the role of this variant in disease. Therefore, it has been classified as a Variant of Uncertain Significance.

All of Us Research Program, National Institutes of Health
Classification: Uncertain significance for Primary dilated cardiomyopathy. Last evaluated: 2024-06-09. Review status: criteria provided, single submitter. Criteria: ACMG Guidelines, 2015. Collection method: clinical testing. Allele origin: germline. Inheritance: Autosomal dominant inheritance. Observed: 1 variant allele, 1 heterozygote.
Comment: This variant causes an in-frame duplication of six amino acids at exon 7 of the LMNA protein. To our knowledge, functional studies have not been reported for this variant. This variant has not been reported in individuals affected with LMNA-related disorders in the literature. This variant has not been identified in the general population by the Genome Aggregation Database (gnomAD). The available evidence is insufficient to determine the role of this variant in disease conclusively. Therefore, this variant is classified as a Variant of Uncertain Significance.

This study involves interpretation of variants in research participants for the purpose of population health screening. Participant phenotype was not available at the time of variant classification. Additional details can be found in publication PMID: 35346344, PMCID: PMC8962531

Color Diagnostics, LLC DBA Color Health
Classification: Uncertain significance for Cardiomyopathy. Last evaluated: 2024-04-11. Review status: criteria provided, single submitter. Criteria: ACMG Guidelines, 2015. Collection method: clinical testing. Allele origin: germline.
Comment: This variant causes an in-frame duplication of six amino acids at exon 7 of the LMNA protein. To our knowledge, functional studies have not been reported for this variant. This variant has not been reported in individuals affected with LMNA-related disorders in the literature. This variant has not been identified in the general population by the Genome Aggregation Database (gnomAD). The available evidence is insufficient to determine the role of this variant in disease conclusively. Therefore, this variant is classified as a Variant of Uncertain Significance.

GeneDx
Classification: Uncertain significance. Last evaluated: 2019-06-21. Review status: criteria provided, single submitter. Criteria: GeneDx Variant Classification Process June 2021. Collection method: clinical testing. Allele origin: germline. Affected: yes.
Comment: Has not been previously published as pathogenic or benign to our knowledge; Not observed in large population cohorts (Lek et al., 2016); In-frame duplication of 6 amino acids in a non-repeat region; Lacks observation in a significant number of affected individuals, segregation data, and functional evidence, which would further clarify its pathogenicity